The following is an entry in ClinVar:

NM_000532.5(PCCB):c.1006T>A (p.Tyr336Asn)

Gene: PCCB (propionyl-CoA carboxylase subunit beta; plus strand). Cytogenetic location: 3q22.3.
Variant type: single nucleotide variant.
Coding change: c.1006T>A on transcript NM_000532.5 (MANE Select); coding-DNA position 1006, T replaced by A.
Protein change: p.Tyr336Asn; replaces tyrosine 336 with asparagine.
Molecular consequence: missense variant.
Genome position (GRCh38, 1-based): chr3:136,316,980, T>A. VCF-style: chr3-136316980-T-A. GRCh37 (hg19) VCF-style: chr3-136035822-T-A.
Other names: c.1066T>A, p.Tyr356Asn (NM_001178014.2); short protein forms Y356N, Y336N.
Identifiers: ClinVar variation 1969185 (VCV001969185.3), dbSNP rs760550246, ClinGen allele CA2631984.
Genomic context (GRCh38, chr3:136,316,980, plus strand): 5'-GAAGTAAATTTATTCCTGCAGGTTGTTGATGAGCGTGAATTTTTTGAGATCATGCCCAAT[T>A]ATGCCAAGAACATCATTGTTGGTTTTGCAAGAATGAATGGGAGGACTGTTGGAATTGTTG-3'
Protein context (NP_000523.2, residues 326-346): EREFFEIMPN[Tyr336Asn]AKNIIVGFAR

ClinVar aggregate classification (germline): Uncertain significance (1 of 4 stars; one submission).

Conditions:
Propionic acidemia (PROP). Also called: GLYCINEMIA, KETOTIC; HYPERGLYCINEMIA WITH KETOACIDOSIS AND LEUKOPENIA; KETOTIC HYPERGLYCINEMIA. Identifiers: Orphanet 35, MedGen C0268579, MONDO:0011628, OMIM 606054, HP:0003571.

Allele frequency attached by ClinVar (database versions not stated): ExAC 0.00001.
gnomAD v4.1: 2 of 1,613,966 alleles (0.00012%); highest among the groups gnomAD compares: Non-Finnish European, 0.000085%; no homozygotes.

Submission:

Labcorp Genetics (formerly Invitae), Labcorp
Classification: Uncertain significance for Propionic acidemia. Last evaluated: 2022-04-04. Review status: criteria provided, single submitter. Criteria: Invitae Variant Classification Sherloc (09022015). Collection method: clinical testing. Allele origin: germline.
Comment: In summary, the available evidence is currently insufficient to determine the role of this variant in disease. Therefore, it has been classified as a Variant of Uncertain Significance. Advanced modeling of protein sequence and biophysical properties (such as structural, functional, and spatial information, amino acid conservation, physicochemical variation, residue mobility, and thermodynamic stability) performed at Invitae indicates that this missense variant is expected to disrupt PCCB protein function. This variant has not been reported in the literature in individuals affected with PCCB-related conditions. This variant is present in population databases (rs760550246, gnomAD 0.0009%). This sequence change replaces tyrosine, which is neutral and polar, with asparagine, which is neutral and polar, at codon 336 of the PCCB protein (p.Tyr336Asn).